The following is an entry in ClinVar:

ClinVar aggregate classification (germline): Pathogenic. Review status: criteria provided, multiple submitters, no conflicts (2 of 4 stars). 3 submissions from 3 submitters: Pathogenic (3). Last evaluated 2025-12-29.

Conditions:
Primary familial hypertrophic cardiomyopathy (HCM). Identifiers: Orphanet 99739, MedGen C0949658, MeSH D024741, MONDO:0024573. Inheritance: Various modes of inheritance.
Cardiovascular phenotype. Identifiers: MedGen CN230736.
Hypertrophic cardiomyopathy. Also called: HYPERTROPHIC MYOCARDIOPATHY. Identifiers: Orphanet 217569, MedGen C0007194, MeSH D002312, MONDO:0005045, HP:0001639.

Submissions (3):

Women's Health and Genetics/Laboratory Corporation of America, LabCorp
Classification: Pathogenic for Primary familial hypertrophic cardiomyopathy. Last evaluated: 2025-12-29. Review status: criteria provided, single submitter. Criteria: LabCorp Variant Classification Summary - May 2015. Collection method: clinical testing. Allele origin: germline.
Comment: Variant summary: MYBPC3 c.2375G>A (p.Trp792X) results in a premature termination codon, predicted to cause a truncation of the encoded protein or absence of the protein due to nonsense mediated decay, which are commonly known mechanisms for disease. The variant was absent in 172018 control chromosomes. c.2375G>A has been observed in individual(s) affected with Hypertrophic Cardiomyopathy (example, Marsiglia_2013). To our knowledge, no experimental evidence demonstrating an impact on protein function has been reported. The following publication has been ascertained in the context of this evaluation (PMID: 24093860). ClinVar contains an entry for this variant (Variation ID: 3230876). Based on the evidence outlined above, the variant was classified as pathogenic.

Labcorp Genetics (formerly Invitae), Labcorp
Classification: Pathogenic for Hypertrophic cardiomyopathy. Last evaluated: 2025-06-14. Review status: criteria provided, single submitter. Criteria: Invitae Variant Classification Sherloc (09022015). Collection method: clinical testing. Allele origin: germline.
Comment: This sequence change creates a premature translational stop signal (p.Trp792*) in the MYBPC3 gene. It is expected to result in an absent or disrupted protein product. Loss-of-function variants in MYBPC3 are known to be pathogenic (PMID: 19574547). This variant is not present in population databases (gnomAD no frequency). This premature translational stop signal has been observed in individual(s) with MYBPC3-related conditions (PMID: 37652022). ClinVar contains an entry for this variant (Variation ID: 3230876). For these reasons, this variant has been classified as Pathogenic.

Ambry Genetics
Classification: Pathogenic for Cardiovascular phenotype. Last evaluated: 2024-02-07. Review status: criteria provided, single submitter. Criteria: Ambry Variant Classification Scheme 2023. Collection method: clinical testing. Allele origin: germline.
Comment: The p.W792* pathogenic mutation (also known as c.2375G>A), located in coding exon 24 of the MYBPC3 gene, results from a G to A substitution at nucleotide position 2375. This changes the amino acid from a tryptophan to a stop codon within coding exon 24. This variant has been detected in individuals from hypertrophic cardiomyopathy cohorts (Marsiglia JD et al. Am Heart J, 2013 Oct;166:775-82; Harper AR et al. Nat Genet, 2021 Feb;53:135-142). This variant is considered to be rare based on population cohorts in the Genome Aggregation Database (gnomAD). This alteration is expected to result in loss of function by premature protein truncation or nonsense-mediated mRNA decay. As such, this alteration is interpreted as a disease-causing mutation.

Literature cited by the submitters: PubMed 24093860 (cited by Women's Health and Genetics/Laboratory Corporation of America, LabCorp and Ambry Genetics); PubMed 19574547 (cited by Labcorp Genetics (formerly Invitae), Labcorp); PubMed 37652022 (cited by Labcorp Genetics (formerly Invitae), Labcorp); PubMed 33495597 (cited by Ambry Genetics).

NM_000256.3(MYBPC3):c.2375G>A (p.Trp792Ter)

Gene: MYBPC3 (myosin binding protein C3; minus strand). Cytogenetic location: 11p11.2.
Variant type: single nucleotide variant.
Coding change: c.2375G>A on transcript NM_000256.3 (MANE Select); coding-DNA position 2375, G replaced by A.
Protein change: p.Trp792Ter; replaces tryptophan 792 with a stop codon.
Molecular consequence: nonsense.
Genome position (GRCh38, 1-based): chr11:47,337,728, C>T on the plus strand (G>A on the coding strand, the complement: MYBPC3 is on the minus strand). VCF-style: chr11-47337728-C-T. GRCh37 (hg19) VCF-style: chr11-47359279-C-T.
Other names: short protein forms W792*.
Identifiers: ClinVar variation 3230876 (VCV003230876.3), dbSNP rs2495750393, ClinGen allele CA380318735.
Genomic context (GRCh38, chr11:47,337,728, plus strand): 5'-CATCCGGTGCCCTTGCACTCACCCAGGATGGGCTGCCCGCCATCGTAGGCAGGCGGCTCC[C>T]ACTGTACTGTGCAGGAGTCCTCTCCCACGTTGCTGATCTTGGGGGCCGCAGGTGCGTCTG-3'